The following is an entry in ClinVar:

ClinVar aggregate classification (germline): Uncertain significance (1 of 4 stars; one submission).

Submission:

GeneDx
Classification: Uncertain significance. Last evaluated: 2024-05-17. Review status: criteria provided, single submitter. Criteria: GeneDx Variant Classification Process June 2021. Collection method: clinical testing. Allele origin: germline. Affected: yes.
Comment: Not observed at significant frequency in large population cohorts (gnomAD); In silico analysis indicates that this missense variant does not alter protein structure/function; Has not been previously published as pathogenic or benign to our knowledge; This variant is associated with the following publications: (PMID: 26100331, 25512093, 25609763)

NM_001376.5(DYNC1H1):c.10116G>A (p.Met3372Ile)

Gene: DYNC1H1 (dynein cytoplasmic 1 heavy chain 1; plus strand). Cytogenetic location: 14q32.31.
Variant type: single nucleotide variant.
Coding change: c.10116G>A on transcript NM_001376.5 (MANE Select); coding-DNA position 10116, G replaced by A.
Protein change: p.Met3372Ile; replaces methionine 3372 with isoleucine.
Molecular consequence: missense variant.
Genome position (GRCh38, 1-based): chr14:102,033,101, G>A. VCF-style: chr14-102033101-G-A. GRCh37 (hg19) VCF-style: chr14-102499438-G-A.
Other names: short protein forms M3372I.
Identifiers: ClinVar variation 3377866 (VCV003377866.1).